The following is an entry in ClinVar:

NM_004168.4(SDHA):c.1433-2A>G

Gene: SDHA (succinate dehydrogenase complex flavoprotein subunit A; plus strand). Cytogenetic location: 5p15.33.
Variant type: single nucleotide variant.
Coding change: c.1433-2A>G on transcript NM_004168.4 (MANE Select); the canonical splice acceptor site of the intron before coding-DNA position 1433, A replaced by G.
Molecular consequence: splice acceptor variant.
Genome position (GRCh38, 1-based): chr5:240,356, A>G. VCF-style: chr5-240356-A-G. GRCh37 (hg19) VCF-style: chr5-240471-A-G.
Other names: c.1433-2A>G (NM_001330758.2); c.1289-2A>G (NM_001294332.2).
Identifiers: ClinVar variation 2011312 (VCV002011312.4), dbSNP rs765094070, ClinGen allele CA359014150.

ClinVar aggregate classification (germline): Likely pathogenic (1 of 4 stars; one submission).

Conditions:
Pheochromocytoma/paraganglioma syndrome 5. Also called: Paragangliomas 5; SDHA-Related Hereditary Paraganglioma-Pheochromocytoma Syndrome. Identifiers: Orphanet 29072, MedGen C3279992, MONDO:0013602, OMIM 614165.
Mitochondrial complex II deficiency, nuclear type 1. Also called: SUCCINATE CoQ REDUCTASE DEFICIENCY. Identifiers: Orphanet 3208, MedGen C5700310, MONDO:0100294, OMIM 252011.

Submission:

Labcorp Genetics (formerly Invitae), Labcorp
Classification: Likely pathogenic for Pheochromocytoma/paraganglioma syndrome 5; Mitochondrial complex II deficiency, nuclear type 1. Last evaluated: 2023-10-03. Review status: criteria provided, single submitter. Criteria: Invitae Variant Classification Sherloc (09022015). Collection method: clinical testing. Allele origin: germline.
Comment: This sequence change affects an acceptor splice site in intron 10 of the SDHA gene. It is expected to disrupt RNA splicing. Variants that disrupt the donor or acceptor splice site typically lead to a loss of protein function (PMID: 16199547), and loss-of-function variants in SDHA are known to be pathogenic (PMID: 22974104, 24781757). This variant is not present in population databases (gnomAD no frequency). This variant has not been reported in the literature in individuals affected with SDHA-related conditions. ClinVar contains an entry for this variant (Variation ID: 2011312). Algorithms developed to predict the effect of sequence changes on RNA splicing suggest that this variant may disrupt the consensus splice site. In summary, the currently available evidence indicates that the variant is pathogenic, but additional data are needed to prove that conclusively. Therefore, this variant has been classified as Likely Pathogenic.

Literature cited by the submitters: PubMed 16199547; PubMed 22974104; PubMed 24781757.